The following is an entry in ClinVar:

ClinVar aggregate classification (germline): Uncertain significance (1 of 4 stars; one submission).

Submission:

GeneDx
Classification: Uncertain significance. Last evaluated: 2025-09-30. Review status: criteria provided, single submitter. Criteria: GeneDx Variant Classification Process June 2021. Collection method: clinical testing. Allele origin: germline. Affected: yes.
Comment: Not observed at significant frequency in large population cohorts (gnomAD); In silico analyses support that this missense variant has a deleterious effect on protein structure/function and on splicing; Has not been previously published as pathogenic or benign to our knowledge

NM_001348716.2(KDM6B):c.4609A>G (p.Lys1537Glu)

Genes: KDM6B (lysine demethylase 6B; plus strand), LOC121587574 (Sharpr-MPRA regulatory region 3930; plus strand). Cytogenetic location: 17p13.1.
Variant type: single nucleotide variant.
Coding change: c.4609A>G on transcript NM_001348716.2 (MANE Select); coding-DNA position 4609, A replaced by G.
Protein change: p.Lys1537Glu; replaces lysine 1537 with glutamic acid.
Molecular consequence: missense variant.
Genome position (GRCh38, 1-based): chr17:7,852,635, A>G. VCF-style: chr17-7852635-A-G. GRCh37 (hg19) VCF-style: chr17-7755953-A-G.
Other names: c.4609A>G, p.Lys1537Glu (NM_001080424.2); short protein forms K1537E.
Identifiers: ClinVar variation 2581751 (VCV002581751.2), dbSNP rs2544535061, ClinGen allele CA397928175.